The following is an entry in ClinVar:

ClinVar aggregate classification (germline): Pathogenic. Review status: criteria provided, multiple submitters, no conflicts (2 of 4 stars). 2 submissions from 2 submitters: Pathogenic (2). Last evaluated 2023-01-22.

Conditions:
Duchenne muscular dystrophy (DMD). Also called: Duchenne Muscular Dystrophy (DMD); MUSCULAR DYSTROPHY, PSEUDOHYPERTROPHIC PROGRESSIVE, DUCHENNE TYPE. Identifiers: Orphanet 98896, MedGen C0013264, MONDO:0010679, OMIM 310200.

Submissions (2):

Labcorp Genetics (formerly Invitae), Labcorp
Classification: Pathogenic for Duchenne muscular dystrophy. Last evaluated: 2023-01-22. Review status: criteria provided, single submitter. Criteria: Invitae Variant Classification Sherloc (09022015). Collection method: clinical testing. Allele origin: germline.
Comment: For these reasons, this variant has been classified as Pathogenic. ClinVar contains an entry for this variant (Variation ID: 1322674). This premature translational stop signal has been observed in individual(s) with Duchenne muscular dystrophy (PMID: 16331671). This variant is not present in population databases (gnomAD no frequency). This sequence change creates a premature translational stop signal (p.Gln625*) in the DMD gene. It is expected to result in an absent or disrupted protein product. Loss-of-function variants in DMD are known to be pathogenic (PMID: 16770791, 25007885).

Juno Genomics, Hangzhou Juno Genomics, Inc
Classification: Pathogenic for Duchenne muscular dystrophy. Review status: criteria provided, single submitter. Criteria: ACMG Guidelines, 2015. Collection method: clinical testing. Allele origin: germline.
Comment: Absent from controls (or at extremely low frequency if recessive) in Genome Aggregation Database.;Null variant in a gene where loss of function (LOF) is a known mechanism of disease.;The prevalence of the variant in affected individuals is significantly increased compared to the prevalence in controls.

Literature cited by the submitters: PubMed 16331671 (cited by Labcorp Genetics (formerly Invitae), Labcorp); PubMed 16770791 (cited by Labcorp Genetics (formerly Invitae), Labcorp); PubMed 25007885 (cited by Labcorp Genetics (formerly Invitae), Labcorp).

NM_004006.3(DMD):c.1873C>T (p.Gln625Ter)

Gene: DMD (dystrophin; minus strand). Cytogenetic location: Xp21.1.
Variant type: single nucleotide variant.
Coding change: c.1873C>T on transcript NM_004006.3 (MANE Select); coding-DNA position 1873, C replaced by T.
Protein change: p.Gln625Ter; replaces glutamine 625 with a stop codon.
Molecular consequence: nonsense.
Genome position (GRCh38, 1-based): chrX:32,565,821, G>A on the plus strand (C>T on the coding strand, the complement: DMD is on the minus strand). VCF-style: chrX-32565821-G-A. GRCh37 (hg19) VCF-style: chrX-32583938-G-A.
Other names: c.1849C>T, p.Gln617Ter (NM_000109.4); c.1861C>T, p.Gln621Ter (NM_004009.3); c.1504C>T, p.Gln502Ter (NM_004010.3); short protein forms Q502*, Q617*, Q621*, Q625*.
Identifiers: ClinVar variation 1322674 (VCV001322674.10), dbSNP rs2051634469, ClinGen allele CA412672817.